The following is an entry in ClinVar:

NM_014319.5(LEMD3):c.1949G>A (p.Arg650His)

Gene: LEMD3 (LEM domain containing 3; plus strand). Cytogenetic location: 12q14.3.
Variant type: single nucleotide variant.
Coding change: c.1949G>A on transcript NM_014319.5 (MANE Select); coding-DNA position 1949, G replaced by A.
Protein change: p.Arg650His; replaces arginine 650 with histidine.
Molecular consequence: missense variant.
Genome position (GRCh38, 1-based): chr12:65,239,956, G>A. VCF-style: chr12-65239956-G-A. GRCh37 (hg19) VCF-style: chr12-65633736-G-A.
Other names: c.1946G>A, p.Arg649His (NM_001167614.2); short protein forms R649H, R650H.
Identifiers: ClinVar variation 1981098 (VCV001981098.4), dbSNP rs202030550, ClinGen allele CA6671084.
Genomic context (GRCh38, chr12:65,239,956, plus strand): 5'-ATTTTTAAAATACAAAGTATATTAATATTACAGGTGTAGTGATGGTTTGTGTCGTTCTGC[G>A]TTACATGAAATATCGATGGACAAAAGAAGAGGAGGAAACAAGGCAGATGTATGATATGGT-3'
Protein context (NP_055134.2, residues 640-660): LGVVMVCVVL[Arg650His]YMKYRWTKEE

ClinVar aggregate classification (germline): Uncertain significance (1 of 4 stars; one submission).

Allele frequency attached by ClinVar (database versions not stated): ExAC 0.00001; TOPMed 0.00001; gnomAD exomes 0.00002; gnomAD 0.00003; 1000 Genomes Project 30x 0.00016; 1000 Genomes Project 0.00020.
gnomAD v4.1: 32 of 1,611,700 alleles (0.002%); highest among the groups gnomAD compares: East Asian, 0.0067%; no homozygotes.

Submission:

Labcorp Genetics (formerly Invitae), Labcorp
Classification: Uncertain significance. Last evaluated: 2025-02-10. Review status: criteria provided, single submitter. Criteria: Invitae Variant Classification Sherloc (09022015). Collection method: clinical testing. Allele origin: germline.
Comment: This sequence change replaces arginine, which is basic and polar, with histidine, which is basic and polar, at codon 650 of the LEMD3 protein (p.Arg650His). This variant is present in population databases (rs202030550, gnomAD 0.01%). This variant has not been reported in the literature in individuals affected with LEMD3-related conditions. ClinVar contains an entry for this variant (Variation ID: 1981098). Invitae Evidence Modeling of protein sequence and biophysical properties (such as structural, functional, and spatial information, amino acid conservation, physicochemical variation, residue mobility, and thermodynamic stability) indicates that this missense variant is not expected to disrupt LEMD3 protein function with a negative predictive value of 80%. In summary, the available evidence is currently insufficient to determine the role of this variant in disease. Therefore, it has been classified as a Variant of Uncertain Significance.